The following is an entry in ClinVar:

ClinVar aggregate classification (germline): Pathogenic (1 of 4 stars; one submission).

Conditions:
Charcot-Marie-Tooth disease type 2. Also called: Charcot-Marie-Tooth type 2. Identifiers: Orphanet 64746, MedGen C0270914, MONDO:0018993.

Submission:

Labcorp Genetics (formerly Invitae), Labcorp
Classification: Pathogenic for Charcot-Marie-Tooth disease type 2. Last evaluated: 2025-07-13. Review status: criteria provided, single submitter. Criteria: Invitae Variant Classification Sherloc (09022015). Collection method: clinical testing. Allele origin: germline.
Comment: This sequence change creates a premature translational stop signal (p.Tyr497*) in the AARS gene. It is expected to result in an absent or disrupted protein product. Loss-of-function variants in AARS are known to be pathogenic (PMID: 25817015, 28493438, 34446925). This variant is present in population databases (no rsID available, gnomAD 0.003%). This variant has not been reported in the literature in individuals affected with AARS-related conditions. For these reasons, this variant has been classified as Pathogenic.

Literature cited by the submitters: PubMed 25817015; PubMed 28493438; PubMed 34446925.

NM_001605.3(AARS1):c.1490dup (p.Tyr497Ter)

Gene: AARS1 (alanyl-tRNA synthetase 1; minus strand). Cytogenetic location: 16q22.1.
Variant type: Duplication.
Coding change: c.1490dup on transcript NM_001605.3 (MANE Select); coding-DNA position 1490, one base duplicated (A; older notation c.1490dupA).
Protein change: p.Tyr497Ter; replaces tyrosine 497 with a stop codon.
Molecular consequence: nonsense.
Genome position (GRCh38, 1-based): chr16:70,264,960, T duplicated on the plus strand (A on the coding strand, the reverse complement: AARS1 is on the minus strand). VCF-style (leftmost placement, unchanged base first): chr16-70264959-A-AT. GRCh37 (hg19) VCF-style: chr16-70298862-A-AT.
Other names: short protein forms Y497*.
Identifiers: ClinVar variation 4693560 (VCV004693560.1).